The following is an entry in ClinVar:

ClinVar aggregate classification (germline): Uncertain significance. Review status: criteria provided, multiple submitters, no conflicts (2 of 4 stars). 2 submissions from 2 submitters: Uncertain significance (2). Last evaluated 2022-05-25.

Allele frequency attached by ClinVar (database versions not stated): gnomAD 0.00001; gnomAD exomes 0.00001; TOPMed 0.00001.
gnomAD v4.1: 17 of 1,613,020 alleles (0.0011%); highest among the groups gnomAD compares: Non-Finnish European, 0.00025%; no homozygotes.

Submissions (2):

Ambry Genetics
Classification: Uncertain significance. Last evaluated: 2022-05-25. Review status: criteria provided, single submitter. Criteria: Ambry Variant Classification Scheme 2023. Collection method: clinical testing. Allele origin: germline.

Labcorp Genetics (formerly Invitae), Labcorp
Classification: Uncertain significance. Last evaluated: 2022-02-02. Review status: criteria provided, single submitter. Criteria: Invitae Variant Classification Sherloc (09022015). Collection method: clinical testing. Allele origin: germline.
Comment: This variant has not been reported in the literature in individuals affected with RPL35-related conditions. In summary, the available evidence is currently insufficient to determine the role of this variant in disease. Therefore, it has been classified as a Variant of Uncertain Significance. Algorithms developed to predict the effect of missense changes on protein structure and function are either unavailable or do not agree on the potential impact of this missense change (SIFT: "Deleterious"; PolyPhen-2: "Possibly Damaging"; Align-GVGD: "Class C0"). This variant is present in population databases (no rsID available, gnomAD 0.02%). This sequence change replaces isoleucine, which is neutral and non-polar, with methionine, which is neutral and non-polar, at codon 47 of the RPL35 protein (p.Ile47Met).

NM_007209.4(RPL35):c.141C>G (p.Ile47Met)

Gene: RPL35 (ribosomal protein L35; minus strand). Cytogenetic location: 9q33.3.
Variant type: single nucleotide variant.
Coding change: c.141C>G on transcript NM_007209.4 (MANE Select); coding-DNA position 141, C replaced by G.
Protein change: p.Ile47Met; replaces isoleucine 47 with methionine.
Molecular consequence: missense variant.
Genome position (GRCh38, 1-based): chr9:124,860,264, G>C on the plus strand (C>G on the coding strand, the complement: RPL35 is on the minus strand). VCF-style: chr9-124860264-G-C. GRCh37 (hg19) VCF-style: chr9-127622543-G-C.
Other names: c.141C>G (NM_007209.3); short protein forms I47M.
Identifiers: ClinVar variation 2139672 (VCV002139672.5), dbSNP rs1187966121, ClinGen allele CA374886993.
Genomic context (GRCh38, chr9:124,860,264, plus strand): 5'-TTCTTTCTGAGTCTGGTTAATAACTGTGAGAACACGGGCAATGGATTTCCGGACGACTCG[G>C]CTACAAAACAGAGATGTCAGTGAAGATAGGGAAGACACATAGCACTACCCAAGACTCAGG-3'
Protein context (NP_009140.1, residues 37-57): TGGAASKLSK[Ile47Met]RVVRKSIARV